The following is an entry in ClinVar:

NM_001330078.2(NRXN1):c.1715A>G (p.Asp572Gly)

Gene: NRXN1 (neurexin 1; minus strand). Cytogenetic location: 2p16.3.
Variant type: single nucleotide variant.
Coding change: c.1715A>G on transcript NM_001330078.2 (MANE Select); coding-DNA position 1715, A replaced by G.
Protein change: p.Asp572Gly; replaces aspartic acid 572 with glycine.
Molecular consequence: missense variant.
Genome position (GRCh38, 1-based): chr2:50,552,631, T>C on the plus strand (A>G on the coding strand, the complement: NRXN1 is on the minus strand). VCF-style: chr2-50552631-T-C. GRCh37 (hg19) VCF-style: chr2-50779769-T-C.
Other names: c.1691A>G, p.Asp564Gly (NM_001330077.2, NM_001330095.2, NM_001330082.2); c.1631A>G, p.Asp544Gly (NM_001330087.2, NM_001330096.2); c.1661A>G, p.Asp554Gly (NM_001330088.2); c.1712A>G, p.Asp571Gly (NM_001330093.2); c.1703A>G, p.Asp568Gly (NM_001330094.2); c.1676A>G, p.Asp559Gly (NM_001330084.2, NM_001330083.2); c.1715A>G, p.Asp572Gly (NM_004801.6, NM_001330085.2, NM_001330086.2); c.1835A>G, p.Asp612Gly (NM_001135659.3); short protein forms D612G, D564G, D568G, D572G, D544G, D571G, D554G, D559G.
Identifiers: ClinVar variation 561068 (VCV000561068.2), dbSNP rs1558925182, ClinGen allele CA346772859.

ClinVar aggregate classification (germline): Uncertain significance (1 of 4 stars; one submission).

Conditions:
Pitt-Hopkins-like syndrome 2 (PTHSL2). Identifiers: Orphanet 221150, Orphanet 600663, MedGen C3280479, MONDO:0013690, OMIM 614325.

Allele frequency attached by ClinVar (database versions not stated): gnomAD 0.00001.
gnomAD v4.1: 1 of 1,613,800 alleles (0.000062%); highest among the groups gnomAD compares: Non-Finnish European, 0.000085%; no homozygotes.

Submission:

Baylor Genetics
Classification: Uncertain significance for Pitt-Hopkins-like syndrome 2. Last evaluated: 2017-09-01. Review status: criteria provided, single submitter. Criteria: ACMG Guidelines, 2015. Collection method: clinical testing. Allele origin: germline. Inheritance: Autosomal recessive inheritance. Affected: yes.

Literature cited by the submitters: PubMed 25326635.